The following is an entry in ClinVar:

NM_001190274.2(FBXO11):c.2338+1del

Gene: FBXO11 (F-box protein 11; minus strand). Cytogenetic location: 2p16.3.
Variant type: Deletion.
Coding change: c.2338+1del on transcript NM_001190274.2 (MANE Select); the canonical splice donor site of the intron after coding-DNA position 2338, one base deleted (G; older notation c.2338+1delG).
Molecular consequence: splice donor variant.
Genome position (GRCh38, 1-based): chr2:47,810,315, C deleted on the plus strand (G on the coding strand, the reverse complement: FBXO11 is on the minus strand); the first of 2 consecutive C bases (chr2:47,810,315-47,810,316); deleting either gives the same sequence. VCF-style (leftmost placement, unchanged base first): chr2-47810314-AC-A. GRCh37 (hg19) VCF-style: chr2-48037453-AC-A.
Other names: c.2086+1del (NM_001374325.1, NM_025133.4).
Identifiers: ClinVar variation 5041712 (VCV005041712.1).
Genomic context (GRCh38, chr2:47,810,314, plus strand): 5'-CTCCACATCAAACACTTTGCAGAACTATATATAAGCCACAGGTAAGAAAAGAAAATACAA[AC>A]CTGCGGCAAATCCATCAAATATTCTGTTTTTCCTTAAGATTGGATGACTATTAGTGCTGA-3'

ClinVar aggregate classification (germline): Uncertain significance (1 of 4 stars; one submission).

Submission:

CeGaT Center for Human Genetics Tuebingen
Classification: Uncertain significance. Last evaluated: 2026-09-01. Review status: criteria provided, single submitter. Criteria: CeGaT Center For Human Genetics Tuebingen Variant Classification Criteria Version 2. Collection method: clinical testing. Allele origin: germline. Affected: yes. Observed: 1 variant allele.
Comment: FBXO11: PM2, PVS1:Moderate, PS2:Supporting